The following is an entry in ClinVar:

NM_003079.5(SMARCE1):c.98A>G (p.His33Arg)

Gene: SMARCE1 (SWI/SNF related BAF chromatin remodeling complex subunit E1; minus strand). Cytogenetic location: 17q21.2.
Variant type: single nucleotide variant.
Coding change: c.98A>G on transcript NM_003079.5 (MANE Select); coding-DNA position 98, A replaced by G.
Protein change: p.His33Arg; replaces histidine 33 with arginine.
Molecular consequence: missense variant.
Genome position (GRCh38, 1-based): chr17:40,642,513, T>C on the plus strand (A>G on the coding strand, the complement: SMARCE1 is on the minus strand). VCF-style: chr17-40642513-T-C. GRCh37 (hg19) VCF-style: chr17-38798765-T-C.
Other names: short protein forms H33R.
Identifiers: ClinVar variation 3685292 (VCV003685292.2).

ClinVar aggregate classification (germline): Uncertain significance (1 of 4 stars; one submission).

Conditions:
Familial meningioma. Also called: Meningioma, familial, susceptibility to. Identifiers: Orphanet 263662, MedGen C3551915, MONDO:0011789, OMIM 607174.

gnomAD v4.1: 2 of 1,612,622 alleles (0.00012%); highest among the groups gnomAD compares: Non-Finnish European, 0.00017%; no homozygotes.

Submission:

Labcorp Genetics (formerly Invitae), Labcorp
Classification: Uncertain significance for Familial meningioma. Last evaluated: 2025-08-18. Review status: criteria provided, single submitter. Criteria: Invitae Variant Classification Sherloc (09022015). Collection method: clinical testing. Allele origin: germline.
Comment: This sequence change replaces histidine, which is basic and polar, with arginine, which is basic and polar, at codon 33 of the SMARCE1 protein (p.His33Arg). This variant is not present in population databases (gnomAD no frequency). This variant has not been reported in the literature in individuals affected with SMARCE1-related conditions. ClinVar contains an entry for this variant (Variation ID: 3685292). Invitae Evidence Modeling of protein sequence and biophysical properties (such as structural, functional, and spatial information, amino acid conservation, physicochemical variation, residue mobility, and thermodynamic stability) indicates that this missense variant is expected to disrupt SMARCE1 protein function with a positive predictive value of 80%. In summary, the available evidence is currently insufficient to determine the role of this variant in disease. Therefore, it has been classified as a Variant of Uncertain Significance.